The following is an entry in ClinVar:

ClinVar aggregate classification (germline): Uncertain significance (1 of 4 stars; one submission).

Conditions:
Familial thoracic aortic aneurysm and aortic dissection (TAAD). Also called: Thoracic aortic aneurysms and dissections. Identifiers: Orphanet 91387, MedGen C4707243, MONDO:0019625.

gnomAD v4.1: 3 of 1,614,198 alleles (0.00019%); highest among the groups gnomAD compares: Admixed American, 0.005%; no homozygotes.

Submission:

Color Diagnostics, LLC DBA Color Health
Classification: Uncertain significance for Familial thoracic aortic aneurysm and aortic dissection. Last evaluated: 2024-08-12. Review status: criteria provided, single submitter. Criteria: ACMG Guidelines, 2015. Collection method: clinical testing. Allele origin: germline.
Comment: This missense variant replaces glutamine with glutamic acid at codon 1832 of the MYH11 protein. Computational prediction suggests that this variant may not impact protein structure and function (internally defined REVEL score threshold <= 0.5, PMID: 27666373). To our knowledge, functional studies have not been reported for this variant. This variant has not been reported in individuals affected with MYH11-related disorders in the literature. This variant has been identified in 3/251286 chromosomes in the general population by the Genome Aggregation Database (gnomAD). The available evidence is insufficient to determine the role of this variant in disease conclusively. Therefore, this variant is classified as a Variant of Uncertain Significance.

NM_002474.3(MYH11):c.5473C>G (p.Gln1825Glu)

Genes: NDE1 (nudE neurodevelopment protein 1; plus strand), MYH11 (myosin heavy chain 11; minus strand). Cytogenetic location: 16p13.11.
Variant type: single nucleotide variant.
Coding change: c.5473C>G on transcript NM_002474.3 (MANE Select); coding-DNA position 5473, C replaced by G.
Protein change: p.Gln1825Glu; replaces glutamine 1825 with glutamic acid.
Molecular consequence: missense variant. On other transcripts: intron variant (2).
Genome position (GRCh38, 1-based): chr16:15,717,171, G>C on the plus strand (C>G on the coding strand, the complement: MYH11 is on the minus strand). VCF-style: chr16-15717171-G-C. GRCh37 (hg19) VCF-style: chr16-15811028-G-C.
Other names: c.5494C>G, p.Gln1832Glu (NM_001040113.2, NM_001040114.2); c.5473C>G, p.Gln1825Glu (NM_022844.3); c.948-7020G>C (NM_001143979.2, NM_017668.3); short protein forms Q1825E, Q1832E.
Identifiers: ClinVar variation 3894363 (VCV003894363.1).
Genomic context (GRCh38, chr16:15,717,171, plus strand): 5'-ACTGGGTTCGGAACTCCACACCCGCATACCTGGCCTCCTGCTCGACCTGCTCCTCCAGCT[G>C]TGCAATCTTGGCCTCCAGCGCCGCGATGGTGGACTTGAACTTGGACTTGACGGCCCCCTC-3'
Protein context (NP_002465.1, residues 1815-1835): TIAALEAKIA[Gln1825Glu]LEEQVEQEAR